The following is an entry in ClinVar:

ClinVar aggregate classification (germline): Uncertain significance (1 of 4 stars; one submission).

Conditions:
Inborn genetic diseases. Identifiers: MedGen C0950123, MeSH D030342.

Submission:

Ambry Genetics
Classification: Uncertain significance for Inborn genetic diseases. Last evaluated: 2023-07-12. Review status: criteria provided, single submitter. Criteria: Ambry Variant Classification Scheme 2023. Collection method: clinical testing. Allele origin: germline.
Comment: The c.5687A>T (p.D1896V) alteration is located in exon 36 (coding exon 36) of the KMT2C gene. This alteration results from an A to T substitution at nucleotide position 5687, causing the aspartic acid (D) at amino acid position 1896 to be replaced by a valine (V). This variant was not reported in population-based cohorts in the Genome Aggregation Database (gnomAD). This amino acid position is highly conserved in available vertebrate species. The in silico prediction for this alteration is inconclusive. Based on insufficient or conflicting evidence, the clinical significance of this alteration remains unclear.

NM_170606.3(KMT2C):c.5687A>T (p.Asp1896Val)

Gene: KMT2C (lysine methyltransferase 2C; minus strand). Cytogenetic location: 7q36.1.
Variant type: single nucleotide variant.
Coding change: c.5687A>T on transcript NM_170606.3 (MANE Select); coding-DNA position 5687, A replaced by T.
Protein change: p.Asp1896Val; replaces aspartic acid 1896 with valine.
Molecular consequence: missense variant.
Genome position (GRCh38, 1-based): chr7:152,182,173, T>A on the plus strand (A>T on the coding strand, the complement: KMT2C is on the minus strand). VCF-style: chr7-152182173-T-A. GRCh37 (hg19) VCF-style: chr7-151879258-T-A.
Other names: short protein forms D1896V.
Identifiers: ClinVar variation 2560291 (VCV002560291.3), dbSNP rs1018818602, ClinGen allele CA169212760.